The following is an entry in ClinVar:

ClinVar aggregate classification (germline): Uncertain significance (1 of 4 stars; one submission).

Conditions:
Rhabdoid tumor predisposition syndrome 2 (RTPS2). Identifiers: Orphanet 231108, Orphanet 69077, MedGen C2750074, MONDO:0013224, OMIM 613325.

Submission:

Labcorp Genetics (formerly Invitae), Labcorp
Classification: Uncertain significance for Rhabdoid tumor predisposition syndrome 2. Last evaluated: 2020-03-09. Review status: criteria provided, single submitter. Criteria: Invitae Variant Classification Sherloc (09022015). Collection method: clinical testing. Allele origin: germline.
Comment: This variant has not been reported in the literature in individuals with SMARCA4-related conditions. This sequence change replaces methionine with arginine at codon 645 of the SMARCA4 protein (p.Met645Arg). The methionine residue is highly conserved and there is a moderate physicochemical difference between methionine and arginine. This variant is not present in population databases (ExAC no frequency). Algorithms developed to predict the effect of missense changes on protein structure and function are either unavailable or do not agree on the potential impact of this missense change (SIFT: "Deleterious"; PolyPhen-2: "Benign"; Align-GVGD: "Class C65"). In summary, the available evidence is currently insufficient to determine the role of this variant in disease. Therefore, it has been classified as a Variant of Uncertain Significance.

NM_003072.5(SMARCA4):c.1934T>G (p.Met645Arg)

Gene: SMARCA4 (SWI/SNF related BAF chromatin remodeling complex subunit ATPase 4; plus strand). Cytogenetic location: 19p13.2.
Variant type: single nucleotide variant.
Coding change: c.1934T>G on transcript NM_003072.5 (MANE Select); coding-DNA position 1934, T replaced by G.
Protein change: p.Met645Arg; replaces methionine 645 with arginine.
Molecular consequence: missense variant. On other transcripts: non-coding transcript variant (1).
Genome position (GRCh38, 1-based): chr19:11,003,150, T>G. VCF-style: chr19-11003150-T-G. GRCh37 (hg19) VCF-style: chr19-11113826-T-G.
Other names: c.1934T>G, p.Met645Arg (NM_001128844.3, NM_001128845.2, NM_001128846.2 and 4 more transcripts); short protein forms M645R.
Identifiers: ClinVar variation 1026692 (VCV001026692.8), dbSNP rs2087816849, ClinGen allele CA404051709.